The following is an entry in ClinVar:

NM_198578.4(LRRK2):c.5212A>G (p.Ile1738Val)

Gene: LRRK2 (leucine rich repeat kinase 2; plus strand). Cytogenetic location: 12q12.
Variant type: single nucleotide variant.
Coding change: c.5212A>G on transcript NM_198578.4 (MANE Select); coding-DNA position 5212, A replaced by G.
Protein change: p.Ile1738Val; replaces isoleucine 1738 with valine.
Molecular consequence: missense variant.
Genome position (GRCh38, 1-based): chr12:40,322,076, A>G. VCF-style: chr12-40322076-A-G. GRCh37 (hg19) VCF-style: chr12-40715878-A-G.
Other names: short protein forms I1738V.
Identifiers: ClinVar variation 3291958 (VCV003291958.1).
Genomic context (GRCh38, chr12:40,322,076, plus strand): 5'-TAATGGCTCCATTTTTTAGAACGAGCACTTCGCCCAAACAGAATGTATTGGCGACAAGGC[A>G]TTTACTTAAATTGGTCTCCTGAAGCTTATTGTCTGGTAGGATCTGAAGTCTTAGACAATC-3'
Protein context (NP_940980.4, residues 1728-1748): RPNRMYWRQG[Ile1738Val]YLNWSPEAYC

ClinVar aggregate classification (germline): Uncertain significance (1 of 4 stars; one submission).

Conditions:
Inborn genetic diseases. Identifiers: MedGen C0950123, MeSH D030342.

Submission:

Ambry Genetics
Classification: Uncertain significance for Inborn genetic diseases. Last evaluated: 2024-04-14. Review status: criteria provided, single submitter. Criteria: Ambry Variant Classification Scheme 2023. Collection method: clinical testing. Allele origin: germline.
Comment: The p.I1738V variant (also known as c.5212A>G), located in coding exon 36 of the LRRK2 gene, results from an A to G substitution at nucleotide position 5212. The isoleucine at codon 1738 is replaced by valine, an amino acid with highly similar properties. This amino acid position is conserved. In addition, this alteration is predicted to be tolerated by in silico analysis. Based on the available evidence, the clinical significance of this variant remains unclear.